The following is an entry in ClinVar:

ClinVar aggregate classification (germline): Uncertain significance (1 of 4 stars; one submission).

Conditions:
Hereditary diffuse gastric adenocarcinoma (HDGC). Also called: DIFFUSE GASTRIC AND LOBULAR BREAST CANCER SYNDROME. Identifiers: Orphanet 26106, MedGen C1708349, MONDO:0007648, OMIM 137215.

Submission:

Labcorp Genetics (formerly Invitae), Labcorp
Classification: Uncertain significance for Hereditary diffuse gastric adenocarcinoma. Last evaluated: 2025-01-29. Review status: criteria provided, single submitter. Criteria: Invitae Variant Classification Sherloc (09022015). Collection method: clinical testing. Allele origin: germline.
Comment: This sequence change replaces proline, which is neutral and non-polar, with histidine, which is basic and polar, at codon 377 of the CDH1 protein (p.Pro377His). This variant is not present in population databases (gnomAD no frequency). This variant has not been reported in the literature in individuals affected with CDH1-related conditions. An algorithm developed to predict the effect of missense changes on protein structure and function (PolyPhen-2) suggests that this variant is likely to be disruptive. In summary, the available evidence is currently insufficient to determine the role of this variant in disease. Therefore, it has been classified as a Variant of Uncertain Significance.

NM_004360.5(CDH1):c.1130C>A (p.Pro377His)

Gene: CDH1 (cadherin 1; plus strand). Cytogenetic location: 16q22.1.
Variant type: single nucleotide variant.
Coding change: c.1130C>A on transcript NM_004360.5 (MANE Select); coding-DNA position 1130, C replaced by A.
Protein change: p.Pro377His; replaces proline 377 with histidine.
Molecular consequence: missense variant. On other transcripts: 5 prime UTR variant (2).
Genome position (GRCh38, 1-based): chr16:68,812,256, C>A. VCF-style: chr16-68812256-C-A. GRCh37 (hg19) VCF-style: chr16-68846159-C-A.
Other names: c.1130C>A, p.Pro377His (NM_001317184.2); c.-486C>A (NM_001317185.2); c.-690C>A (NM_001317186.2); short protein forms P377H.
Identifiers: ClinVar variation 3661512 (VCV003661512.2).